The following is an entry in ClinVar:

ClinVar aggregate classification (germline): Uncertain significance (1 of 4 stars; one submission).

Conditions:
Singleton-Merten syndrome 1 (SGMRT1). Also called: Widened medullary cavities of bone, aortic calcification, abnormal dentition, and muscular weakness; Syndrome of widened medullary cavities of the metacarpals and phalanges, aortic calcification and abnormal dentition. Identifiers: Orphanet 85191, MedGen C4225427, MONDO:0024535, OMIM 182250.
Aicardi-Goutieres syndrome 7 (AGS7). Identifiers: Orphanet 51, MedGen C3888244, MONDO:0014367, OMIM 615846.

Allele frequency attached by ClinVar (database versions not stated): TOPMed below 0.00001.

Submission:

Labcorp Genetics (formerly Invitae), Labcorp
Classification: Uncertain significance for Aicardi-Goutieres syndrome 7; Singleton-Merten syndrome 1. Last evaluated: 2021-05-10. Review status: criteria provided, single submitter. Criteria: Invitae Variant Classification Sherloc (09022015). Collection method: clinical testing. Allele origin: germline.
Comment: In summary, the available evidence is currently insufficient to determine the role of this variant in disease. Therefore, it has been classified as a Variant of Uncertain Significance. Algorithms developed to predict the effect of sequence changes on RNA splicing suggest that this variant may create or strengthen a splice site, but this prediction has not been confirmed by published transcriptional studies. Algorithms developed to predict the effect of missense changes on protein structure and function are either unavailable or do not agree on the potential impact of this missense change (SIFT: "Tolerated"; PolyPhen-2: "Possibly Damaging"; Align-GVGD: "Class C0"). This variant has not been reported in the literature in individuals with IFIH1-related conditions. This variant is not present in population databases (ExAC no frequency). This sequence change replaces glycine with arginine at codon 494 of the IFIH1 protein (p.Gly494Arg). The glycine residue is moderately conserved and there is a moderate physicochemical difference between glycine and arginine.

NM_022168.4(IFIH1):c.1480G>A (p.Gly494Arg)

Gene: IFIH1 (interferon induced with helicase C domain 1; minus strand). Cytogenetic location: 2q24.2.
Variant type: single nucleotide variant.
Coding change: c.1480G>A on transcript NM_022168.4 (MANE Select); coding-DNA position 1480, G replaced by A.
Protein change: p.Gly494Arg; replaces glycine 494 with arginine.
Molecular consequence: missense variant.
Genome position (GRCh38, 1-based): chr2:162,281,372, C>T on the plus strand (G>A on the coding strand, the complement: IFIH1 is on the minus strand). VCF-style: chr2-162281372-C-T. GRCh37 (hg19) VCF-style: chr2-163137882-C-T.
Other names: short protein forms G494R.
Identifiers: ClinVar variation 1352750 (VCV001352750.8), dbSNP rs1682805179, ClinGen allele CA349002105.
Genomic context (GRCh38, chr2:162,281,372, plus strand): 5'-TAAAATTATGACTTACTTTTAAAATGTGTTCTTCAGCTTTGGCTTGCTTCGTGGCCCCTC[C>T]AACACCAGGTGAAGCTGTTAGTCCCAGTATCTGAGGAAGGGGAATCACTGGTTTGTTTTC-3'
Protein context (NP_071451.2, residues 484-504): ILGLTASPGV[Gly494Arg]GATKQAKAEE